The following is an entry in ClinVar:

NM_015662.3(IFT172):c.3073C>G (p.Pro1025Ala)

Gene: IFT172 (intraflagellar transport 172; minus strand). Cytogenetic location: 2p23.3.
Variant type: single nucleotide variant.
Coding change: c.3073C>G on transcript NM_015662.3 (MANE Select); coding-DNA position 3073, C replaced by G.
Protein change: p.Pro1025Ala; replaces proline 1025 with alanine.
Molecular consequence: missense variant.
Genome position (GRCh38, 1-based): chr2:27,457,879, G>C on the plus strand (C>G on the coding strand, the complement: IFT172 is on the minus strand). VCF-style: chr2-27457879-G-C. GRCh37 (hg19) VCF-style: chr2-27680746-G-C.
Other names: short protein forms P1025A.
Identifiers: ClinVar variation 451342 (VCV000451342.48), dbSNP rs61747068, ClinGen allele CA1580090.

ClinVar aggregate classification (germline): Conflicting classifications of pathogenicity. Review status: criteria provided, conflicting classifications (1 of 4 stars). 7 submissions from 7 submitters: Uncertain significance (1); Benign (1); Likely benign (4). 1 of the submissions does not count toward it. Last evaluated 2026-08-01.

Conditions:
Short-rib thoracic dysplasia 10 with or without polydactyly (SRTD10). Identifiers: Orphanet 474, MedGen C3810175, MONDO:0014284, OMIM 615630.
Bardet-Biedl syndrome 20. Identifiers: MedGen C4310707, MONDO:0023670, OMIM 619471, MONDO:0014926.
Retinitis pigmentosa 71 (RP71). Identifiers: Orphanet 791, MedGen C4225342, MONDO:0014618, OMIM 616394.
IFT172-related disorder. Also called: IFT172-related condition; IFT172-related disorders.

Allele frequency attached by ClinVar (database versions not stated): gnomAD exomes 0.00058 and 0.00130; ExAC 0.00117; gnomAD 0.00147 and 0.00152; TOPMed 0.00163; ESP Exome Variant Server 0.00200; 1000 Genomes Project 30x 0.00234; 1000 Genomes Project 0.00240.
gnomAD v4.1: 1,120 of 1,614,198 alleles (0.069%); highest among the groups gnomAD compares: African/African-American, 0.29%; 6 homozygotes.

Submissions (7):

CeGaT Center for Human Genetics Tuebingen
Classification: Benign. Last evaluated: 2026-08-01. Review status: criteria provided, single submitter. Criteria: CeGaT Center For Human Genetics Tuebingen Variant Classification Criteria Version 2. Collection method: clinical testing. Allele origin: germline. Affected: yes. Observed: 3 variant alleles.
Comment: IFT172: BP4, BS1, BS2

Labcorp Genetics (formerly Invitae), Labcorp
Classification: Likely benign for Retinitis pigmentosa 71; Short-rib thoracic dysplasia 10 with or without polydactyly. Last evaluated: 2026-01-28. Review status: criteria provided, single submitter. Criteria: Invitae Variant Classification Sherloc (09022015). Collection method: clinical testing. Allele origin: germline.

Blueprint Genetics
Classification: Likely benign. Last evaluated: 2024-11-26. Review status: criteria provided, single submitter. Criteria: ACMG Guidelines, 2015. Collection method: clinical testing. Allele origin: germline.

New York Genome Center
Classification: Uncertain significance for Retinitis pigmentosa 71; Short-rib thoracic dysplasia 10 with or without polydactyly; Bardet-Biedl syndrome 20. Last evaluated: 2021-10-19. Review status: criteria provided, single submitter. Criteria: NYGC Assertion Criteria 2020. Collection method: clinical testing. Allele origin: germline. Observed: 1 heterozygote.

GeneDx
Classification: Likely benign. Last evaluated: 2021-01-15. Review status: criteria provided, single submitter. Criteria: GeneDx Variant Classification Process June 2021. Collection method: clinical testing. Allele origin: germline. Affected: yes.

Breakthrough Genomics
Classification: Likely benign. Review status: criteria provided, single submitter. Criteria: ACMG Guidelines, 2015. Collection method: not provided. Allele origin: germline. Inheritance: Autosomal recessive inheritance. Affected: yes.

PreventionGenetics, part of Exact Sciences
Classification: Benign for IFT172-related condition. Last evaluated: 2019-07-03. Review status: no assertion criteria provided. Collection method: clinical testing. Allele origin: germline. Not counted in ClinVar's aggregate classification.
Comment: This variant is classified as benign based on ACMG/AMP sequence variant interpretation guidelines (Richards et al. 2015 PMID: 25741868, with internal and published modifications).